The following is an entry in ClinVar:

ClinVar aggregate classification (germline): Uncertain significance (1 of 4 stars; one submission).

Allele frequency attached by ClinVar (database versions not stated): gnomAD exomes below 0.00001; gnomAD 0.00001; TOPMed 0.00002; ExAC 0.00004; 1000 Genomes Project 30x 0.00016; 1000 Genomes Project 0.00020.
gnomAD v4.1: 8 of 1,614,028 alleles (0.0005%); highest among the groups gnomAD compares: East Asian, 0.016%; no homozygotes.

Submission:

Ambry Genetics
Classification: Uncertain significance. Last evaluated: 2023-09-30. Review status: criteria provided, single submitter. Criteria: Ambry Variant Classification Scheme 2023. Collection method: clinical testing. Allele origin: germline.
Comment: The p.S7N variant (also known as c.20G>A), located in coding exon 1 of the POLQ gene, results from a G to A substitution at nucleotide position 20. The serine at codon 7 is replaced by asparagine, an amino acid with highly similar properties. This amino acid position is conserved. In addition, this alteration is predicted to be tolerated by in silico analysis. Since supporting evidence is limited at this time, the clinical significance of this alteration remains unclear.

NM_199420.4(POLQ):c.20G>A (p.Ser7Asn)

Genes: POLQ (DNA polymerase theta; minus strand), LOC112872292 (Sharpr-MPRA regulatory region 30; plus strand). Cytogenetic location: 3q13.33.
Variant type: single nucleotide variant.
Coding change: c.20G>A on transcript NM_199420.4 (MANE Select); coding-DNA position 20, G replaced by A.
Protein change: p.Ser7Asn; replaces serine 7 with asparagine.
Molecular consequence: missense variant.
Genome position (GRCh38, 1-based): chr3:121,545,858, C>T on the plus strand (G>A on the coding strand, the complement: POLQ is on the minus strand). VCF-style: chr3-121545858-C-T. GRCh37 (hg19) VCF-style: chr3-121264705-C-T.
Other names: short protein forms S7N.
Identifiers: ClinVar variation 1785883 (VCV001785883.2), dbSNP rs571386873, ClinGen allele CA2563931.
Genomic context (GRCh38, chr3:121,545,858, plus strand): 5'-CTGTCACCGCCGCTTCCCGAGAACGAATCTGAGCCTGATTCTGAACGCCGCCGTTTCCCA[C>T]TCCGACGCAGAAGATTCATGGCAAACTCTTCTCGGCCGATCAGGGCAAGCCACAGTCCCA-3'
Protein context (NP_955452.3, residues 1-17): MNLLRR[Ser7Asn]GKRRRSESGS